The following is an entry in ClinVar:

NM_000289.6(PFKM):c.2326G>A (p.Gly776Arg)

Gene: PFKM (phosphofructokinase, muscle; plus strand). Cytogenetic location: 12q13.11.
Variant type: single nucleotide variant.
Coding change: c.2326G>A on transcript NM_000289.6 (MANE Select); coding-DNA position 2326, G replaced by A.
Protein change: p.Gly776Arg; replaces glycine 776 with arginine.
Molecular consequence: missense variant. On other transcripts: non-coding transcript variant (6).
Genome position (GRCh38, 1-based): chr12:48,145,691, G>A. VCF-style: chr12-48145691-G-A. GRCh37 (hg19) VCF-style: chr12-48539474-G-A.
Other names: c.2539G>A, p.Gly847Arg (NM_001166686.2, NM_001354737.1, NM_001354738.1 and 1 more transcripts); c.2326G>A, p.Gly776Arg (NM_001166687.2, NM_001166688.2, NM_001354742.2 and 2 more transcripts); c.2635G>A, p.Gly879Arg (NM_001354735.1, NM_001354736.1); c.2470G>A, p.Gly824Arg (NM_001354740.1); c.2350G>A, p.Gly784Arg (NM_001354741.2); c.2239G>A, p.Gly747Arg (NM_001354745.2); c.2200G>A, p.Gly734Arg (NM_001354746.2); c.2176G>A, p.Gly726Arg (NM_001354747.2, NM_001354748.2); and 1 more; short protein forms G726R, G745R, G776R, G847R, G734R, G747R, G824R, G879R.
Identifiers: ClinVar variation 2141153 (VCV002141153.1), dbSNP rs970220488, ClinGen allele CA236520081.

ClinVar aggregate classification (germline): Uncertain significance (1 of 4 stars; one submission).

Conditions:
Glycogen storage disease, type VII (GSD7). Also called: PFKM DEFICIENCY; TARUI DISEASE; GSD VII; MUSCLE PHOSPHOFRUCTOKINASE DEFICIENCY. Identifiers: Orphanet 371, MedGen C0017926, MONDO:0009295, OMIM 232800.

Allele frequency attached by ClinVar (database versions not stated): gnomAD exomes 0.00001; gnomAD 0.00002; TOPMed 0.00003.
gnomAD v4.1: 16 of 1,614,000 alleles (0.00099%); highest among the groups gnomAD compares: African/African-American, 0.008%; no homozygotes.

Submission:

Labcorp Genetics (formerly Invitae), Labcorp
Classification: Uncertain significance for Glycogen storage disease, type VII. Last evaluated: 2022-05-24. Review status: criteria provided, single submitter. Criteria: Invitae Variant Classification Sherloc (09022015). Collection method: clinical testing. Allele origin: germline.
Comment: This sequence change replaces glycine, which is neutral and non-polar, with arginine, which is basic and polar, at codon 776 of the PFKM protein (p.Gly776Arg). This variant is present in population databases (no rsID available, gnomAD 0.007%). This variant has not been reported in the literature in individuals affected with PFKM-related conditions. Algorithms developed to predict the effect of missense changes on protein structure and function (SIFT, PolyPhen-2, Align-GVGD) all suggest that this variant is likely to be tolerated. In summary, the available evidence is currently insufficient to determine the role of this variant in disease. Therefore, it has been classified as a Variant of Uncertain Significance.